The following is an entry in ClinVar:

ClinVar aggregate classification (germline): Uncertain significance (1 of 4 stars; one submission).

Conditions:
SCAPER-related disorder. Also called: SCAPER-related condition.

gnomAD v4.1: 3 of 1,604,174 alleles (0.00019%); highest among the groups gnomAD compares: Non-Finnish European, 0.00026%; no homozygotes.

Submission:

PreventionGenetics, part of Exact Sciences
Classification: Uncertain significance for SCAPER-related condition. Last evaluated: 2026-03-27. Review status: criteria provided, single submitter. Criteria: ACMG Guidelines, 2015. Collection method: clinical testing. Allele origin: germline.
Comment: The SCAPER c.1691G>A variant is predicted to result in the amino acid substitution p.Arg564Lys. To our knowledge, this variant has not been reported in the literature or in a large population database (gnomAD), indicating this variant is rare. At this time, the clinical significance of this variant is uncertain due to the absence of conclusive functional and genetic evidence.

NM_020843.4(SCAPER):c.1673G>A (p.Arg558Lys)

Gene: SCAPER (S-phase cyclin A associated protein in the ER; minus strand). Cytogenetic location: 15q24.3.
Variant type: single nucleotide variant.
Coding change: c.1673G>A on transcript NM_020843.4 (MANE Select); coding-DNA position 1673, G replaced by A.
Protein change: p.Arg558Lys; replaces arginine 558 with lysine.
Molecular consequence: missense variant. On other transcripts: non-coding transcript variant (1).
Genome position (GRCh38, 1-based): chr15:76,765,013, C>T on the plus strand (G>A on the coding strand, the complement: SCAPER is on the minus strand). VCF-style: chr15-76765013-C-T. GRCh37 (hg19) VCF-style: chr15-77057354-C-T.
Other names: c.935G>A, p.Arg312Lys (NM_001145923.2); c.1691G>A, p.Arg564Lys (NM_001353009.2); c.1271G>A, p.Arg424Lys (NM_001353010.2, NM_001353012.2); c.1289G>A, p.Arg430Lys (NM_001353011.2); short protein forms R424K, R430K, R564K, R312K, R558K.
Identifiers: ClinVar variation 4990995 (VCV004990995.1).